The following is an entry in ClinVar:

NM_001433.5(ERN1):c.283-19_283-18dup

Gene: ERN1 (endoplasmic reticulum to nucleus signaling 1; minus strand). Cytogenetic location: 17q23.3.
Variant type: Duplication.
Coding change: c.283-19_283-18dup on transcript NM_001433.5 (MANE Select); 19 bases into the intron before coding-DNA position 283 through 18 bases into the intron before coding-DNA position 283, 2 bases duplicated (TT; older notation c.283-19_283-18dupTT).
Molecular consequence: intron variant.
Genome position (GRCh38, 1-based): chr17:64,075,252-64,075,253, AA duplicated on the plus strand (TT on the coding strand, the reverse complement: ERN1 is on the minus strand); duplicating any 2 consecutive bases within chr17:64,075,252-64,075,266 gives the same sequence; the c. name uses the placement nearest the transcript's 3' end. VCF-style (leftmost placement, unchanged base first): chr17-64075251-T-TAA. GRCh37 (hg19) VCF-style: chr17-62152611-T-TAA.
Other names: NM_001433.3:c.283-6_283-5dupTT.
Identifiers: ClinVar variation 402835 (VCV000402835.4), dbSNP rs5821420, ClinGen allele CA8711417.

ClinVar aggregate classification (germline): Benign (1 of 4 stars; one submission).

Submission:

Laboratory for Molecular Medicine, Mass General Brigham Personalized Medicine
Classification: Benign. Last evaluated: 2016-03-28. Review status: criteria provided, single submitter. Criteria: LMM Criteria. Collection method: clinical testing. Allele origin: germline.
Comment: Variant identified in a genome or exome case(s) and assessed due to predicted null impact of the variant or pathogenic assertions in the literature or databases. Disclaimer: This variant has not undergone full assessment. The following are preliminary notes: Frequency